The following is an entry in ClinVar:

NM_002137.4(HNRNPA2B1):c.763GGA[1] (p.Gly256del)

Gene: HNRNPA2B1 (heterogeneous nuclear ribonucleoprotein A2/B1; minus strand). Cytogenetic location: 7p15.2.
Variant type: Microsatellite.
Coding change: c.763GGA[1] on transcript NM_002137.4 (MANE Select); one copy of the 3-base unit GGA starting at c.763; the reference has two copies in a row; one copy, 3 bases deleted.
Protein change: p.Gly256del; deletes glycine 256.
Molecular consequence: inframe deletion. On other transcripts: inframe indel (1).
Genome position (GRCh38, 1-based): chr7:26,193,648-26,193,650, TCC deleted on the plus strand (GGA on the coding strand, the reverse complement: HNRNPA2B1 is on the minus strand); deleting any 3 consecutive bases within chr7:26,193,648-26,193,655 gives the same sequence; the position shown is the placement nearest the transcript's 3' end. VCF-style (leftmost placement, unchanged base first): chr7-26193647-ATCC-A. GRCh37 (hg19) VCF-style: chr7-26233267-ATCC-A.
Other names: c.797_799GAG[1], p.Gly268del (NM_031243.4); short protein forms G268del, G256del.
Identifiers: ClinVar variation 1469236 (VCV001469236.8), dbSNP rs2128110727, ClinGen allele CA2580615866.

ClinVar aggregate classification (germline): Uncertain significance (1 of 4 stars; one submission).

Conditions:
Inclusion body myopathy with early-onset Paget disease with or without frontotemporal dementia 2 (IBMPFD2). Also called: MULTISYSTEM PROTEINOPATHY 2. Identifiers: MedGen C3809468, MONDO:0014178, OMIM 615422.

Submission:

Labcorp Genetics (formerly Invitae), Labcorp
Classification: Uncertain significance for Inclusion body myopathy with early-onset Paget disease with or without frontotemporal dementia 2. Last evaluated: 2021-06-02. Review status: criteria provided, single submitter. Criteria: Invitae Variant Classification Sherloc (09022015). Collection method: clinical testing. Allele origin: germline.
Comment: Experimental studies and prediction algorithms are not available or were not evaluated, and the functional significance of this variant is currently unknown. In summary, the available evidence is currently insufficient to determine the role of this variant in disease. Therefore, it has been classified as a Variant of Uncertain Significance. This variant has not been reported in the literature in individuals with HNRNPA2B1-related conditions. This variant is not present in population databases (ExAC no frequency). This variant, c.802_804del, results in the deletion of 1 amino acid(s) of the HNRNPA2B1 protein (p.Gly268del), but otherwise preserves the integrity of the reading frame.